The following is an entry in ClinVar:

ClinVar aggregate classification (germline): Conflicting classifications of pathogenicity. Review status: criteria provided, conflicting classifications (1 of 4 stars). 5 submissions from 5 submitters: Uncertain significance (2); Likely benign (2). 1 of the submissions does not count toward it. Last evaluated 2026-01-20.

Conditions:
HPS5-related disorder. Also called: HPS5-related condition.
Hermansky-Pudlak syndrome 5 (HPS5). Identifiers: Orphanet 231512, Orphanet 79430, MedGen C3888004, MONDO:0013557, OMIM 614074.

Allele frequency attached by ClinVar (database versions not stated): 1000 Genomes Project 30x 0.00016; 1000 Genomes Project 0.00020; gnomAD 0.00047 and 0.00052; gnomAD exomes 0.00056 and 0.00077; TOPMed 0.00063; ESP Exome Variant Server 0.00069; ExAC 0.00072.

Submissions (5):

Labcorp Genetics (formerly Invitae), Labcorp
Classification: Likely benign. Last evaluated: 2026-01-20. Review status: criteria provided, single submitter. Criteria: Invitae Variant Classification Sherloc (09022015). Collection method: clinical testing. Allele origin: germline.

Mayo Clinic Laboratories, Mayo Clinic
Classification: Likely benign. Last evaluated: 2024-12-16. Review status: criteria provided, single submitter. Criteria: ACMG Guidelines, 2015. Collection method: clinical testing. Allele origin: germline. Observed: 2 variant alleles.
Comment: BS1, BS2, PM1_supporting

Illumina Laboratory Services, Illumina
Classification: Uncertain significance for Hermansky-Pudlak syndrome 5. Last evaluated: 2018-01-13. Review status: criteria provided, single submitter. Criteria: ICSL Variant Classification Criteria 13 December 2019. Collection method: clinical testing. Allele origin: germline.

Genetic Services Laboratory, University of Chicago
Classification: Uncertain significance. Last evaluated: 2015-10-19. Review status: criteria provided, single submitter. Criteria: ACMG Guidelines, 2015. Collection method: clinical testing. Allele origin: germline. Affected: no.

PreventionGenetics, part of Exact Sciences
Classification: Likely benign for HPS5-related condition. Last evaluated: 2022-11-02. Review status: no assertion criteria provided. Collection method: clinical testing. Allele origin: germline. Not counted in ClinVar's aggregate classification.
Comment: This variant is classified as likely benign based on ACMG/AMP sequence variant interpretation guidelines (Richards et al. 2015 PMID: 25741868, with internal and published modifications).

NM_181507.2(HPS5):c.2866T>C (p.Tyr956His)

Gene: HPS5 (HPS5 biogenesis of lysosomal organelles complex 2 subunit 2; minus strand). Cytogenetic location: 11p15.1.
Variant type: single nucleotide variant.
Coding change: c.2866T>C on transcript NM_181507.2 (MANE Select); coding-DNA position 2866, T replaced by C.
Protein change: p.Tyr956His; replaces tyrosine 956 with histidine.
Molecular consequence: missense variant.
Genome position (GRCh38, 1-based): chr11:18,285,431, A>G on the plus strand (T>C on the coding strand, the complement: HPS5 is on the minus strand). VCF-style: chr11-18285431-A-G. GRCh37 (hg19) VCF-style: chr11-18306978-A-G.
Other names: p.Tyr956His; c.2524T>C, p.Tyr842His (NM_007216.4, NM_181508.2); short protein forms Y956H, Y842H.
Identifiers: ClinVar variation 435458 (VCV000435458.21), dbSNP rs147430035, ClinGen allele CA5909709.